The following is an entry in ClinVar:

ClinVar aggregate classification (germline): Uncertain significance (1 of 4 stars; one submission).

gnomAD v4.1: 1 of 1,613,554 alleles (0.000062%); highest among the groups gnomAD compares: South Asian, 0.0011%; no homozygotes.

Submission:

Labcorp Genetics (formerly Invitae), Labcorp
Classification: Uncertain significance. Last evaluated: 2025-01-22. Review status: criteria provided, single submitter. Criteria: Invitae Variant Classification Sherloc (09022015). Collection method: clinical testing. Allele origin: germline.
Comment: This sequence change replaces tyrosine, which is neutral and polar, with histidine, which is basic and polar, at codon 167 of the SMAD2 protein (p.Tyr167His). This variant is not present in population databases (gnomAD no frequency). This variant has not been reported in the literature in individuals affected with SMAD2-related conditions. Invitae Evidence Modeling of protein sequence and biophysical properties (such as structural, functional, and spatial information, amino acid conservation, physicochemical variation, residue mobility, and thermodynamic stability) indicates that this missense variant is expected to disrupt SMAD2 protein function with a positive predictive value of 80%. In summary, the available evidence is currently insufficient to determine the role of this variant in disease. Therefore, it has been classified as a Variant of Uncertain Significance.

NM_005901.6(SMAD2):c.499T>C (p.Tyr167His)

Gene: SMAD2 (SMAD family member 2; minus strand). Cytogenetic location: 18q21.1.
Variant type: single nucleotide variant.
Coding change: c.499T>C on transcript NM_005901.6 (MANE Select); coding-DNA position 499, T replaced by C.
Protein change: p.Tyr167His; replaces tyrosine 167 with histidine.
Molecular consequence: missense variant.
Genome position (GRCh38, 1-based): chr18:47,869,264, A>G on the plus strand (T>C on the coding strand, the complement: SMAD2 is on the minus strand). VCF-style: chr18-47869264-A-G. GRCh37 (hg19) VCF-style: chr18-45395635-A-G.
Other names: c.499T>C, p.Tyr167His (NM_001003652.4); c.409T>C, p.Tyr137His (NM_001135937.3); short protein forms Y167H, Y137H.
Identifiers: ClinVar variation 3720240 (VCV003720240.2).
Genomic context (GRCh38, chr18:47,869,264, plus strand): 5'-TTAATTCAAAACCAAGAAAAAAACTTGCAATATTCCTACCTGGTGTCTCAACTCTCTGAT[A>G]GTGGTAAGGGTTTACACATACTTCATCCTTTTTAAGATTAAAAGCATATTCGCAGTTTTC-3'
Protein context (NP_005892.1, residues 157-177): KDEVCVNPYH[Tyr167His]QRVETPVLPP